The following is an entry in ClinVar:

NM_014762.4(DHCR24):c.-62G>A

Gene: DHCR24 (24-dehydrocholesterol reductase; minus strand). Cytogenetic location: 1p32.3.
Variant type: single nucleotide variant.
Coding change: c.-62G>A on transcript NM_014762.4 (MANE Select); 62 bases upstream of the start codon, G replaced by A.
Molecular consequence: 5 prime UTR variant.
Genome position (GRCh38, 1-based): chr1:54,887,181, C>T on the plus strand (G>A on the coding strand, the complement: DHCR24 is on the minus strand). VCF-style: chr1-54887181-C-T. GRCh37 (hg19) VCF-style: chr1-55352854-C-T.
Identifiers: ClinVar variation 875218 (VCV000875218.5), dbSNP rs537895939, ClinGen allele CA22774189.

ClinVar aggregate classification (germline): Likely benign. Review status: criteria provided, multiple submitters, no conflicts (2 of 4 stars). 2 submissions from 2 submitters: Likely benign (2). Last evaluated 2018-01-12.

Conditions:
Desmosterolosis. Identifiers: Orphanet 35107, MedGen C1865596, MONDO:0011217, OMIM 602398.

Allele frequency attached by ClinVar (database versions not stated): 1000 Genomes Project 30x 0.00031; gnomAD exomes 0.00033; gnomAD 0.00039; 1000 Genomes Project 0.00040; TOPMed 0.00054.
gnomAD v4.1: 504 of 1,412,058 alleles (0.036%); highest among the groups gnomAD compares: Middle Eastern, 0.17%; 1 homozygote.

Submissions (2):

Illumina Laboratory Services, Illumina
Classification: Likely benign for Desmosterolosis. Last evaluated: 2018-01-12. Review status: criteria provided, single submitter. Criteria: ICSL Variant Classification Criteria 13 December 2019. Collection method: clinical testing. Allele origin: germline.
Comment: This variant was observed in the ICSL laboratory as part of a predisposition screen in an ostensibly healthy population. It had not been previously curated by ICSL or reported in the Human Gene Mutation Database (HGMD: prior to June 1st, 2018), and was therefore a candidate for classification through an automated scoring system. Utilizing variant allele frequency, disease prevalence and penetrance estimates, and inheritance mode, an automated score was calculated to assess if this variant is too frequent to cause the disease. Based on the score and internal cut-off values, a variant classified as likely benign is not then subjected to further curation. The score for this variant resulted in a classification of likely benign for this disease.

Breakthrough Genomics
Classification: Likely benign. Review status: criteria provided, single submitter. Criteria: ACMG Guidelines, 2015. Collection method: not provided. Allele origin: germline. Inheritance: Autosomal recessive inheritance. Affected: yes.